The following is an entry in ClinVar:

NM_000744.7(CHRNA4):c.1631C>T (p.Ala544Val)

Gene: CHRNA4 (cholinergic receptor nicotinic alpha 4 subunit; minus strand). Cytogenetic location: 20q13.33.
Variant type: single nucleotide variant.
Coding change: c.1631C>T on transcript NM_000744.7 (MANE Select); coding-DNA position 1631, C replaced by T.
Protein change: p.Ala544Val; replaces alanine 544 with valine.
Molecular consequence: missense variant. On other transcripts: non-coding transcript variant (1).
Genome position (GRCh38, 1-based): chr20:63,349,780, G>A on the plus strand (C>T on the coding strand, the complement: CHRNA4 is on the minus strand). VCF-style: chr20-63349780-G-A. GRCh37 (hg19) VCF-style: chr20-61981132-G-A.
Other names: c.1103C>T, p.Ala368Val (NM_001256573.2); short protein forms A544V, A368V.
Identifiers: ClinVar variation 2168971 (VCV002168971.4), dbSNP rs1351496864, ClinGen allele CA409632584.

ClinVar aggregate classification (germline): Uncertain significance (1 of 4 stars; one submission).

Conditions:
Familial sleep-related hypermotor epilepsy. Also called: Autosomal Dominant Sleep-Related Hypermotor (Hyperkinetic) Epilepsy. Identifiers: Orphanet 98784, MedGen C3696898, MONDO:0000030.

Submission:

Labcorp Genetics (formerly Invitae), Labcorp
Classification: Uncertain significance. Last evaluated: 2023-10-18. Review status: criteria provided, single submitter. Criteria: Invitae Variant Classification Sherloc (09022015). Collection method: clinical testing. Allele origin: germline.
Comment: This sequence change replaces alanine, which is neutral and non-polar, with valine, which is neutral and non-polar, at codon 544 of the CHRNA4 protein (p.Ala544Val). This variant is not present in population databases (gnomAD no frequency). This variant has not been reported in the literature in individuals affected with CHRNA4-related conditions. ClinVar contains an entry for this variant (Variation ID: 2168971). Advanced modeling of protein sequence and biophysical properties (such as structural, functional, and spatial information, amino acid conservation, physicochemical variation, residue mobility, and thermodynamic stability) performed at Invitae indicates that this missense variant is not expected to disrupt CHRNA4 protein function. In summary, the available evidence is currently insufficient to determine the role of this variant in disease. Therefore, it has been classified as a Variant of Uncertain Significance.